The following is an entry in ClinVar:

ClinVar aggregate classification (germline): Uncertain significance (1 of 4 stars; one submission).

Conditions:
Ataxia-telangiectasia syndrome (AT). Also called: LOUIS-BAR SYNDROME; Ataxia-telangiectasia, complementation group D; ATAXIA-TELANGIECTASIA, COMPLEMENTATION GROUP A; ATAXIA-TELANGIECTASIA, FRESNO VARIANT; Ataxia-telangiectasia; Ataxia telangiectasia (A-T). Identifiers: Orphanet 100, MedGen C0004135, MONDO:0008840, OMIM 208900.

Submission:

Labcorp Genetics (formerly Invitae), Labcorp
Classification: Uncertain significance for Ataxia-telangiectasia syndrome. Last evaluated: 2023-01-24. Review status: criteria provided, single submitter. Criteria: Invitae Variant Classification Sherloc (09022015). Collection method: clinical testing. Allele origin: germline.
Comment: In summary, the available evidence is currently insufficient to determine the role of this variant in disease. Therefore, it has been classified as a Variant of Uncertain Significance. Algorithms developed to predict the effect of missense changes on protein structure and function (SIFT, PolyPhen-2, Align-GVGD) all suggest that this variant is likely to be tolerated. This variant has not been reported in the literature in individuals affected with ATM-related conditions. This variant is not present in population databases (gnomAD no frequency). This sequence change replaces lysine, which is basic and polar, with threonine, which is neutral and polar, at codon 1253 of the ATM protein (p.Lys1253Thr).

NM_000051.4(ATM):c.3758A>C (p.Lys1253Thr)

Gene: ATM (ATM serine/threonine kinase; plus strand). Cytogenetic location: 11q22.3.
Variant type: single nucleotide variant.
Coding change: c.3758A>C on transcript NM_000051.4 (MANE Select); coding-DNA position 3758, A replaced by C.
Protein change: p.Lys1253Thr; replaces lysine 1253 with threonine.
Molecular consequence: missense variant.
Genome position (GRCh38, 1-based): chr11:108,284,238, A>C. VCF-style: chr11-108284238-A-C. GRCh37 (hg19) VCF-style: chr11-108154965-A-C.
Other names: c.3758A>C, p.Lys1253Thr (NM_001351834.2); short protein forms K1253T.
Identifiers: ClinVar variation 2831523 (VCV002831523.3), dbSNP rs2135704521, ClinGen allele CA382524288.